The following is an entry in ClinVar:

NM_018671.5(UNC45A):c.844G>A (p.Ala282Thr)

Gene: UNC45A (unc-45 myosin chaperone A; plus strand). Cytogenetic location: 15q26.1.
Variant type: single nucleotide variant.
Coding change: c.844G>A on transcript NM_018671.5 (MANE Select); coding-DNA position 844, G replaced by A.
Protein change: p.Ala282Thr; replaces alanine 282 with threonine.
Molecular consequence: missense variant.
Genome position (GRCh38, 1-based): chr15:90,942,593, G>A. VCF-style: chr15-90942593-G-A. GRCh37 (hg19) VCF-style: chr15-91485823-G-A.
Other names: c.799G>A, p.Ala267Thr (NM_001039675.2, NM_001323621.2); c.844G>A, p.Ala282Thr (NM_001323619.1); c.409G>A, p.Ala137Thr (NM_001323620.2); short protein forms A267T, A137T, A282T.
Identifiers: ClinVar variation 2135054 (VCV002135054.4), dbSNP rs2543139767, ClinGen allele CA393852788.

ClinVar aggregate classification (germline): Uncertain significance (1 of 4 stars; one submission).

Submission:

Labcorp Genetics (formerly Invitae), Labcorp
Classification: Uncertain significance. Last evaluated: 2022-05-07. Review status: criteria provided, single submitter. Criteria: Invitae Variant Classification Sherloc (09022015). Collection method: clinical testing. Allele origin: germline.
Comment: In summary, the available evidence is currently insufficient to determine the role of this variant in disease. Therefore, it has been classified as a Variant of Uncertain Significance. Algorithms developed to predict the effect of sequence changes on RNA splicing suggest that this variant may create or strengthen a splice site. Algorithms developed to predict the effect of missense changes on protein structure and function are either unavailable or do not agree on the potential impact of this missense change (SIFT: "Not Available"; PolyPhen-2: "Benign"; Align-GVGD: "Not Available"). This variant has not been reported in the literature in individuals affected with UNC45A-related conditions. This variant is not present in population databases (gnomAD no frequency). This sequence change replaces alanine, which is neutral and non-polar, with threonine, which is neutral and polar, at codon 282 of the UNC45A protein (p.Ala282Thr).